The following is an entry in ClinVar:

NM_018344.6(SLC29A3):c.854C>T (p.Ser285Leu)

Gene: SLC29A3 (solute carrier family 29 member 3; plus strand). Cytogenetic location: 10q22.1.
Variant type: single nucleotide variant.
Coding change: c.854C>T on transcript NM_018344.6 (MANE Select); coding-DNA position 854, C replaced by T.
Protein change: p.Ser285Leu; replaces serine 285 with leucine.
Molecular consequence: missense variant. On other transcripts: 3 prime UTR variant (1), non-coding transcript variant (2).
Genome position (GRCh38, 1-based): chr10:71,362,034, C>T. VCF-style: chr10-71362034-C-T. GRCh37 (hg19) VCF-style: chr10-73121791-C-T.
Other names: c.*83C>T (NM_001174098.2); c.620C>T, p.Ser207Leu (NM_001363518.2); c.854C>T (NM_018344.5); short protein forms S285L, S207L.
Identifiers: ClinVar variation 1426034 (VCV001426034.6), dbSNP rs773495153, ClinGen allele CA5543065.

ClinVar aggregate classification (germline): Conflicting classifications of pathogenicity. Review status: criteria provided, conflicting classifications (1 of 4 stars). 2 submissions from 2 submitters: Uncertain significance (1); Likely benign (1). Last evaluated 2023-01-06.

Conditions:
H syndrome. Also called: HISTIOCYTOSIS AND LYMPHADENOPATHY WITH OR WITHOUT CUTANEOUS, CARDIAC, AND/OR ENDOCRINE FEATURES, JOINT CONTRACTURES, AND/OR DEAFNESS; HYPERPIGMENTATION, CUTANEOUS, WITH HYPERTRICHOSIS, HEPATOSPLENOMEGALY, HEART ANOMALIES, AND HYPOGONADISM WITH OR WITHOUT HEARING LOSS; PIGMENTED HYPERTRICHOSIS WITH INSULIN-DEPENDENT DIABETES MELLITUS; ROSAI-DORFMAN DISEASE, FAMILIAL; SINUS HISTIOCYTOSIS AND MASSIVE LYMPHADENOPATHY; Hyperpigmentation, Cutaneous, with Hypertrichosis, Hepatosplenomegaly, Heart Anomalies, Hearing Loss, and Hypogonadism. Identifiers: Orphanet 168569, MedGen C1864445, MONDO:0011273, OMIM 602782.
Inborn genetic diseases. Identifiers: MedGen C0950123, MeSH D030342.

Allele frequency attached by ClinVar (database versions not stated): gnomAD 0.00001; ExAC 0.00002; TOPMed 0.00003.

Submissions (2):

Ambry Genetics
Classification: Likely benign for Inborn genetic diseases. Last evaluated: 2023-01-06. Review status: criteria provided, single submitter. Criteria: Ambry Variant Classification Scheme 2023. Collection method: clinical testing. Allele origin: germline.

Labcorp Genetics (formerly Invitae), Labcorp
Classification: Uncertain significance for H syndrome. Last evaluated: 2021-09-24. Review status: criteria provided, single submitter. Criteria: Invitae Variant Classification Sherloc (09022015). Collection method: clinical testing. Allele origin: germline.
Comment: This sequence change replaces serine with leucine at codon 285 of the SLC29A3 protein (p.Ser285Leu). The serine residue is weakly conserved and there is a large physicochemical difference between serine and leucine. This variant is present in population databases (rs773495153, ExAC 0.003%). This variant has not been reported in the literature in individuals with SLC29A3-related conditions. Algorithms developed to predict the effect of missense changes on protein structure and function (SIFT, PolyPhen-2, Align-GVGD) all suggest that this variant is likely to be tolerated, but these predictions have not been confirmed by published functional studies and their clinical significance is uncertain. In summary, the available evidence is currently insufficient to determine the role of this variant in disease. Therefore, it has been classified as a Variant of Uncertain Significance.